The following is an entry in ClinVar:

NM_003718.5(CDK13):c.2119ATC[1] (p.Ile708del)

Gene: CDK13 (cyclin dependent kinase 13; plus strand). Cytogenetic location: 7p14.1.
Variant type: Microsatellite.
Coding change: c.2119ATC[1] on transcript NM_003718.5 (MANE Select); one copy of the 3-base unit ATC starting at c.2119; the reference has two copies in a row; one copy, 3 bases deleted; also written c.2122_2124del.
Protein change: p.Ile708del; deletes isoleucine 708.
Molecular consequence: inframe indel (on NM_031267.4).
Genome position (GRCh38, 1-based): chr7:39,999,440-39,999,442, ATC deleted; deleting any 3 consecutive bases within chr7:39,999,437-39,999,442 gives the same sequence; the position shown is the placement nearest the transcript's 3' end. VCF-style (leftmost placement, unchanged base first): chr7-39999436-TATC-T. GRCh37 (hg19) VCF-style: chr7-40039035-TATC-T.
Other names: c.2119_2121ATC[1], p.Ile708del (NM_031267.4); c.2122_2124del (NM_003718.5); short protein forms I708del.
Identifiers: ClinVar variation 4293604 (VCV004293604.2).

ClinVar aggregate classification (germline): Likely pathogenic. Review status: criteria provided, multiple submitters, no conflicts (2 of 4 stars). 2 submissions from 2 submitters: Likely pathogenic (2). Last evaluated 2024-06-26.

Conditions:
Congenital heart defects, dysmorphic facial features, and intellectual developmental disorder (CHDFIDD). Identifiers: Orphanet 646278, MedGen C4479246, MONDO:0044302, OMIM 617360.
CDK13-related disorder. Also called: CDK13-related condition. Identifiers: MedGen C5816700.

Submissions (2):

3billion
Classification: Likely pathogenic for Congenital heart defects, dysmorphic facial features, and intellectual developmental disorder. Last evaluated: 2024-06-26. Review status: criteria provided, single submitter. Criteria: ACMG Guidelines, 2015. Collection method: clinical testing. Allele origin: germline. Affected: yes.
Comment: The variant is not observed in the gnomAD v4.0.0 dataset. Predicted Consequence/Location: The variant is located in a mutational hot spot and/or well-established functional domain in which established pathogenic variants have been reported. Inframe deletion located in a nonrepeat region: predicted to change the length of the protein and disrupt normal protein function. Therefore, this variant is classified as Likely pathogenic according to the recommendation of ACMG/AMP guideline.

Blueprint Genetics
Classification: Likely pathogenic for CDK13-related disorders. Last evaluated: 2022-05-16. Review status: criteria provided, single submitter. Criteria: ACMG Guidelines, 2015. Collection method: clinical testing. Allele origin: germline. Affected: yes. Observed: 1 variant allele.